The following is an entry in ClinVar:

NM_001004334.4(GPR179):c.6004G>A (p.Val2002Ile)

Gene: GPR179 (G protein-coupled receptor 179; minus strand). Cytogenetic location: 17q12.
Variant type: single nucleotide variant.
Coding change: c.6004G>A on transcript NM_001004334.4 (MANE Select); coding-DNA position 6004, G replaced by A.
Protein change: p.Val2002Ile; replaces valine 2002 with isoleucine.
Molecular consequence: missense variant.
Genome position (GRCh38, 1-based): chr17:38,327,565, C>T on the plus strand (G>A on the coding strand, the complement: GPR179 is on the minus strand). VCF-style: chr17-38327565-C-T. GRCh37 (hg19) VCF-style: chr17-36483448-C-T.
Other names: short protein forms V2002I.
Identifiers: ClinVar variation 1930099 (VCV001930099.5), dbSNP rs758872813, ClinGen allele CA290103183.

ClinVar aggregate classification (germline): Uncertain significance (1 of 4 stars; one submission).

Allele frequency attached by ClinVar (database versions not stated): gnomAD 0.00001; gnomAD exomes 0.00001; ExAC 0.00002; TOPMed 0.00002.
gnomAD v4.1: 7 of 1,614,050 alleles (0.00043%); highest among the groups gnomAD compares: South Asian, 0.0044%; no homozygotes.

Submission:

Labcorp Genetics (formerly Invitae), Labcorp
Classification: Uncertain significance. Last evaluated: 2022-03-26. Review status: criteria provided, single submitter. Criteria: Invitae Variant Classification Sherloc (09022015). Collection method: clinical testing. Allele origin: germline.
Comment: This sequence change replaces valine, which is neutral and non-polar, with isoleucine, which is neutral and non-polar, at codon 2002 of the GPR179 protein (p.Val2002Ile). In summary, the available evidence is currently insufficient to determine the role of this variant in disease. Therefore, it has been classified as a Variant of Uncertain Significance. Algorithms developed to predict the effect of missense changes on protein structure and function (SIFT, PolyPhen-2, Align-GVGD) all suggest that this variant is likely to be tolerated. This variant has not been reported in the literature in individuals affected with GPR179-related conditions. This variant is present in population databases (rs758872813, gnomAD 0.008%).